The following is an entry in ClinVar:

ClinVar aggregate classification (germline): Uncertain significance (1 of 4 stars; one submission).

Conditions:
Hereditary cancer-predisposing syndrome. Also called: Neoplastic Syndromes, Hereditary; Tumor predisposition; Hereditary neoplastic syndrome; Hereditary Cancer Syndrome. Identifiers: Orphanet 140162, MedGen C0027672, MeSH D009386, MONDO:0015356.

Submission:

Ambry Genetics
Classification: Uncertain significance for Hereditary cancer-predisposing syndrome. Last evaluated: 2022-11-26. Review status: criteria provided, single submitter. Criteria: Ambry Variant Classification Scheme 2023. Collection method: clinical testing. Allele origin: germline.
Comment: The p.P941L variant (also known as c.2822C>T), located in coding exon 20 of the PDGFRA gene, results from a C to T substitution at nucleotide position 2822. The proline at codon 941 is replaced by leucine, an amino acid with similar properties. This amino acid position is conserved. In addition, this alteration is predicted to be deleterious by in silico analysis. Since supporting evidence is limited at this time, the clinical significance of this alteration remains unclear.

NM_006206.6(PDGFRA):c.2822C>T (p.Pro941Leu)

Gene: PDGFRA (platelet derived growth factor receptor alpha; plus strand). Cytogenetic location: 4q12.
Variant type: single nucleotide variant.
Coding change: c.2822C>T on transcript NM_006206.6 (MANE Select); coding-DNA position 2822, C replaced by T.
Protein change: p.Pro941Leu; replaces proline 941 with leucine.
Molecular consequence: missense variant.
Genome position (GRCh38, 1-based): chr4:54,289,056, C>T. VCF-style: chr4-54289056-C-T. GRCh37 (hg19) VCF-style: chr4-55155223-C-T.
Other names: c.2897C>T, p.Pro966Leu (NM_001347828.2); c.2822C>T, p.Pro941Leu (NM_001347829.2); c.2861C>T, p.Pro954Leu (NM_001347830.2); short protein forms P941L, P954L, P966L.
Identifiers: ClinVar variation 3225293 (VCV003225293.1), dbSNP rs2110345842, ClinGen allele CA356895758.